The following is an entry in ClinVar:

ClinVar aggregate classification (germline): Uncertain significance (1 of 4 stars; one submission).

Conditions:
Multiple congenital anomalies-hypotonia-seizures syndrome 1 (MCAHS1). Also called: PIGN-CDG; Congenital disorder of glycosylation due to PIGN deficiency; GLYCOSYLPHOSPHATIDYLINOSITOL BIOSYNTHESIS DEFECT 3. Identifiers: Orphanet 280633, MedGen C3279775, MONDO:0013563, OMIM 614080.

Allele frequency attached by ClinVar (database versions not stated): gnomAD exomes below 0.00001.
gnomAD v4.1: 1 of 1,413,718 alleles (0.000071%); highest among the groups gnomAD compares: South Asian, 0.0013%; no homozygotes.

Submission:

Labcorp Genetics (formerly Invitae), Labcorp
Classification: Uncertain significance for Multiple congenital anomalies-hypotonia-seizures syndrome 1. Last evaluated: 2021-08-31. Review status: criteria provided, single submitter. Criteria: Invitae Variant Classification Sherloc (09022015). Collection method: clinical testing. Allele origin: germline.
Comment: This sequence change replaces glycine with valine at codon 269 of the PIGN protein (p.Gly269Val). The glycine residue is highly conserved and there is a moderate physicochemical difference between glycine and valine. This variant is not present in population databases (ExAC no frequency). This variant has not been reported in the literature in individuals affected with PIGN-related conditions. Algorithms developed to predict the effect of missense changes on protein structure and function (SIFT, PolyPhen-2, Align-GVGD) all suggest that this variant is likely to be disruptive. Algorithms developed to predict the effect of sequence changes on RNA splicing suggest that this variant may disrupt the consensus splice site. In summary, the available evidence is currently insufficient to determine the role of this variant in disease. Therefore, it has been classified as a Variant of Uncertain Significance.

NM_176787.5(PIGN):c.806G>T (p.Gly269Val)

Gene: PIGN (phosphatidylinositol glycan anchor biosynthesis class N; minus strand). Cytogenetic location: 18q21.33.
Variant type: single nucleotide variant.
Coding change: c.806G>T on transcript NM_176787.5 (MANE Select); coding-DNA position 806, G replaced by T.
Protein change: p.Gly269Val; replaces glycine 269 with valine.
Molecular consequence: missense variant.
Genome position (GRCh38, 1-based): chr18:62,146,025, C>A on the plus strand (G>T on the coding strand, the complement: PIGN is on the minus strand). VCF-style: chr18-62146025-C-A. GRCh37 (hg19) VCF-style: chr18-59813258-C-A.
Other names: c.806G>T, p.Gly269Val (NM_012327.6); short protein forms G269V.
Identifiers: ClinVar variation 472236 (VCV000472236.6), dbSNP rs1555694236, ClinGen allele CA402601340.
Genomic context (GRCh38, chr18:62,146,025, plus strand): 5'-CCAGCTCCCCAAGTGACTAAAGGAGTTAAAGTCTCTGAAGGATGACCAGCCCCATGGGAA[C>A]CTACAAATAAGATATAAAGAATAATAAGACAAATATAGAAGAACTAACTTACAACTAAAT-3'
Protein context (NP_789744.1, residues 259-279): FTSDHGMTDW[Gly269Val]SHGAGHPSET